The following is an entry in ClinVar:

NM_000032.5(ALAS2):c.823+5G>A

Gene: ALAS2 (5'-aminolevulinate synthase 2; minus strand). Cytogenetic location: Xp11.21.
Variant type: single nucleotide variant.
Coding change: c.823+5G>A on transcript NM_000032.5 (MANE Select); 5 bases into the intron after coding-DNA position 823, G replaced by A.
Molecular consequence: intron variant.
Genome position (GRCh38, 1-based): chrX:55,020,315, C>T on the plus strand (G>A on the coding strand, the complement: ALAS2 is on the minus strand). VCF-style: chrX-55020315-C-T. GRCh37 (hg19) VCF-style: chrX-55046748-C-T.
Other names: c.823+5G>A (LRG_1163t1); c.712+5G>A (NM_001037967.4); c.784+5G>A (NM_001037968.4).
Identifiers: ClinVar variation 509557 (VCV000509557.8), dbSNP rs773875622, ClinGen allele CA10428383.
Genomic context (GRCh38, chrX:55,020,315, plus strand): 5'-CCAGTGAAACTGGATGCTGTATTGCAGGATACCAGCCCTGAACAAAGCTCAGGCCTCAGG[C>T]TTACCTGGCAGGATCTTGGCCAAGGTGAAGAGAGTAGAGTCATTGGCAACAAAGCAGGAG-3'

ClinVar aggregate classification (germline): Benign/Likely benign. Review status: criteria provided, multiple submitters, no conflicts (2 of 4 stars). 3 submissions from 3 submitters: Benign (1); Likely benign (1). 1 of the submissions does not count toward it. Last evaluated 2026-01-22.

Conditions:
ALAS2-related disorder. Also called: ALAS2-related condition.

Allele frequency attached by ClinVar (database versions not stated): gnomAD exomes 0.00005 and 0.00030; TOPMed 0.00008; gnomAD 0.00009 and 0.00014; ExAC 0.00036; 1000 Genomes Project 30x 0.00104; 1000 Genomes Project 0.00132.
gnomAD v4.1: 75 of 1,205,962 alleles (0.0062%); highest among the groups gnomAD compares: East Asian, 0.21%; no homozygotes.

Submissions (3):

Labcorp Genetics (formerly Invitae), Labcorp
Classification: Benign. Last evaluated: 2026-01-22. Review status: criteria provided, single submitter. Criteria: Invitae Variant Classification Sherloc (09022015). Collection method: clinical testing. Allele origin: germline.

GeneDx
Classification: Likely benign. Last evaluated: 2017-06-05. Review status: criteria provided, single submitter. Criteria: GeneDx Variant Classification (06012015). Collection method: clinical testing. Allele origin: germline. Affected: yes.
Comment: This variant is considered likely benign or benign based on one or more of the following criteria: it is a conservative change, it occurs at a poorly conserved position in the protein, it is predicted to be benign by multiple in silico algorithms, and/or has population frequency not consistent with disease.

PreventionGenetics, part of Exact Sciences
Classification: Likely benign for ALAS2-related condition. Last evaluated: 2019-05-28. Review status: no assertion criteria provided. Collection method: clinical testing. Allele origin: germline. Not counted in ClinVar's aggregate classification.
Comment: This variant is classified as likely benign based on ACMG/AMP sequence variant interpretation guidelines (Richards et al. 2015 PMID: 25741868, with internal and published modifications).